The following is an entry in ClinVar:

ClinVar aggregate classification (germline): Likely benign. Review status: reviewed by expert panel (3 of 4 stars). 7 submissions from 6 submitters: Likely benign (1). 6 of the submissions do not count toward it. Last evaluated 2024-04-22.

Conditions:
Leber congenital amaurosis (LCA). Also called: Leber's amaurosis. Identifiers: Orphanet 65, MedGen C0339527, MeSH D057130, MONDO:0018998.
Retinitis pigmentosa (RP). Identifiers: Orphanet 791, MedGen C0035334, MeSH D012174, MONDO:0019200, OMIM 268000. Inheritance: Autosomal dominant, autosomal recessive and X linked inheritance.
Retinal dystrophy. Also called: Inherited retinal dystrophy. Identifiers: Orphanet 71862, MedGen C0854723, MeSH D058499, MONDO:0019118, HP:0000556.
Leber congenital amaurosis 2 (LCA2). Also called: Autosomal Recessive RPE65-Related Retinal Degeneration; AMAUROSIS CONGENITA OF LEBER II. Identifiers: Orphanet 65, MedGen C1859844, MONDO:0008765, OMIM 204100. Disease mechanism: loss of function.
Retinitis pigmentosa 20 (RP20). Identifiers: Orphanet 791, MedGen C3151086, MONDO:0013425, OMIM 613794.
RPE65-related recessive retinopathy. Also called: Recessive RPE65 retinopathy. Identifiers: MedGen CN305526, MONDO:0100368.

Allele frequency attached by ClinVar (database versions not stated): gnomAD exomes 0.00011 and 0.00054; gnomAD 0.00012 and 0.00017; TOPMed 0.00023; ExAC 0.00064; 1000 Genomes Project 30x 0.00078; 1000 Genomes Project 0.00100.
gnomAD v4.1: 192 of 1,614,180 alleles (0.012%); highest among the groups gnomAD compares: East Asian, 0.39%; no homozygotes.

Submissions (7):

ClinGen Leber Congenital Amaurosis/early Onset Retinal Dystrophy Variant Curation Expert Panel, ClinGen
Classification: Likely benign for RPE65-related recessive retinopathy. Last evaluated: 2024-04-22. Review status: reviewed by expert panel. Criteria: ClinGen LCAeoRD ACMG Specifications RPE65 V1.0.0. Collection method: curation. Allele origin: germline. Inheritance: Autosomal recessive inheritance.
Comment: NM_000329.3(RPE65):c.441A>C (p.Thr147=) is a synonymous variant located in exon 5. This variant is present in gnomAD v.2.1.1 at a GrpMax allele frequency of 0.006282, with 142 alleles/19954 total alleles in the East Asian population, which is higher than the ClinGen LCA / eoRD VCEP BS1 threshold of >0.0008 (BS1). The splicing impact predictor SpliceAI gives a delta score of 0.05 for donor gain, which is below the ClinGen LCA / eoRD VCEP recommended threshold of <0.1 and does not predict an impact on splicing (BP4, BP7). In summary, this variant meets the criteria to be classified as likely benign for RPE65-related recessive retinopathy based on the ACMG/AMP criteria applied, as specified by the ClinGen LCA / eoRD VCEP: BS1, BP4, and BP7. (VCEP specifications version 1.0.0; date of approval 09/21/2023).

Labcorp Genetics (formerly Invitae), Labcorp
Classification: Benign for Leber congenital amaurosis 2; Retinitis pigmentosa 20. Last evaluated: 2026-01-25. Review status: criteria provided, single submitter. Criteria: Invitae Variant Classification Sherloc (09022015). Collection method: clinical testing. Allele origin: germline. Not counted in ClinVar's aggregate classification.

Blueprint Genetics
Classification: Likely benign. Last evaluated: 2024-10-04. Review status: criteria provided, single submitter. Criteria: ACMG Guidelines, 2015. Collection method: clinical testing. Allele origin: germline. Not counted in ClinVar's aggregate classification.

Dept Of Ophthalmology, Nagoya University
Classification: Likely benign for Retinal dystrophy. Last evaluated: 2023-10-01. Review status: criteria provided, single submitter. Criteria: Submitter's publication. Collection method: research. Allele origin: germline. Affected: yes. Not counted in ClinVar's aggregate classification.

Illumina Laboratory Services, Illumina
Classification: Uncertain significance for Retinitis pigmentosa. Last evaluated: 2017-04-28. Review status: criteria provided, single submitter. Criteria: ICSL Variant Classification Criteria 13 December 2019. Collection method: clinical testing. Allele origin: germline. Not counted in ClinVar's aggregate classification.

Illumina Laboratory Services, Illumina
Classification: Likely benign for Leber congenital amaurosis 2. Last evaluated: 2017-04-28. Review status: criteria provided, single submitter. Criteria: ICSL Variant Classification Criteria 13 December 2019. Collection method: clinical testing. Allele origin: germline. Not counted in ClinVar's aggregate classification.
Comment: This variant was observed as part of a predisposition screen in an ostensibly healthy population. A literature search was performed for the gene, cDNA change, and amino acid change (where applicable). No publications were found based on this search. Allele frequency data from public databases allowed determination this variant is unlikely to cause disease. Therefore, this variant is classified as likely benign.

Natera, Inc.
Classification: Benign for Leber congenital amaurosis. Last evaluated: 2019-11-11. Review status: no assertion criteria provided. Collection method: clinical testing. Allele origin: germline. Not counted in ClinVar's aggregate classification.

NM_000329.3(RPE65):c.441A>G (p.Thr147=)

Gene: RPE65 (retinoid isomerohydrolase RPE65; minus strand). Cytogenetic location: 1p31.3.
Variant type: single nucleotide variant.
Coding change: c.441A>G on transcript NM_000329.3 (MANE Select); coding-DNA position 441, A replaced by G.
Protein change: p.Thr147=; no amino-acid change (threonine 147 retained).
Molecular consequence: synonymous variant.
Genome position (GRCh38, 1-based): chr1:68,444,585, T>C on the plus strand (A>G on the coding strand, the complement: RPE65 is on the minus strand). VCF-style: chr1-68444585-T-C. GRCh37 (hg19) VCF-style: chr1-68910268-T-C.
Other names: NM_000329.3(RPE65):c.441A>G; p.Thr147=.
Identifiers: ClinVar variation 716567 (VCV000716567.18), dbSNP rs185049543, ClinGen allele CA902507.